The following is an entry in ClinVar:

ClinVar aggregate classification (germline): Uncertain significance (1 of 4 stars; one submission).

Allele frequency attached by ClinVar (database versions not stated): gnomAD 0.00001.
gnomAD v4.1: 41 of 1,611,780 alleles (0.0025%); highest among the groups gnomAD compares: South Asian, 0.017%; no homozygotes.

Submission:

Labcorp Genetics (formerly Invitae), Labcorp
Classification: Uncertain significance. Last evaluated: 2021-02-20. Review status: criteria provided, single submitter. Criteria: Invitae Variant Classification Sherloc (09022015). Collection method: clinical testing. Allele origin: germline.
Comment: In summary, the available evidence is currently insufficient to determine the role of this variant in disease. Therefore, it has been classified as a Variant of Uncertain Significance. Advanced modeling of protein sequence and biophysical properties (such as structural, functional, and spatial information, amino acid conservation, physicochemical variation, residue mobility, and thermodynamic stability) performed at Invitae indicates that this missense variant is not expected to disrupt GRM6 protein function. This variant has not been reported in the literature in individuals with GRM6-related conditions. This variant is present in population databases (rs755939082, ExAC 0.02%). This sequence change replaces serine with asparagine at codon 318 of the GRM6 protein (p.Ser318Asn). The serine residue is weakly conserved and there is a small physicochemical difference between serine and asparagine.

NM_000843.4(GRM6):c.953G>A (p.Ser318Asn)

Gene: GRM6 (glutamate metabotropic receptor 6; minus strand). Cytogenetic location: 5q35.3.
Variant type: single nucleotide variant.
Coding change: c.953G>A on transcript NM_000843.4 (MANE Select); coding-DNA position 953, G replaced by A.
Protein change: p.Ser318Asn; replaces serine 318 with asparagine.
Molecular consequence: missense variant.
Genome position (GRCh38, 1-based): chr5:178,990,651, C>T on the plus strand (G>A on the coding strand, the complement: GRM6 is on the minus strand). VCF-style: chr5-178990651-C-T. GRCh37 (hg19) VCF-style: chr5-178417652-C-T.
Other names: short protein forms S318N.
Identifiers: ClinVar variation 1473607 (VCV001473607.6), dbSNP rs755939082, ClinGen allele CA3594298.
Genomic context (GRCh38, chr5:178,990,651, plus strand): 5'-CCGTCGATGGAGGCCCTTTTGGGCAGGATGGTGATGGCCCCAACGGCCACGTCCTCCAGG[C>T]TCAAGATGGGTGAGGTCTTGGCTCCCCAGCTGTCTGAGCCGACCCACAGGAAGTGGCCGG-3'
Protein context (NP_000834.2, residues 308-328): SWGAKTSPIL[Ser318Asn]LEDVAVGAIT